The following is an entry in ClinVar:

ClinVar aggregate classification (germline): Uncertain significance (1 of 4 stars; one submission).

Conditions:
Inborn genetic diseases. Identifiers: MedGen C0950123, MeSH D030342.

Submission:

Ambry Genetics
Classification: Uncertain significance for Inborn genetic diseases. Last evaluated: 2025-06-07. Review status: criteria provided, single submitter. Criteria: Ambry Variant Classification Scheme 2023. Collection method: clinical testing. Allele origin: germline.
Comment: The c.543_557del15 (p.E181_G185del) alteration is located in exon 3 (coding exon 3) of the SLC6A5 gene. This alteration consists of an in-frame deletion of 15 nucleotides between nucleotide positions c.543 and c.557, resulting in the deletion of 5 residues. Based on insufficient or conflicting evidence, the clinical significance of this alteration remains unclear.

NM_004211.3:c.543_557del15

Gene: SLC6A5 (solute carrier family 6 member 5; plus strand).
Variant type: Deletion.
Identifiers: ClinVar variation 3957572 (VCV003957572.1).